The following is an entry in ClinVar:

NM_004006.3(DMD):c.8652_8653del (p.Tyr2885fs)

Gene: DMD (dystrophin; minus strand). Cytogenetic location: Xp21.2.
Variant type: Microsatellite.
Coding change: c.8652_8653del on transcript NM_004006.3 (MANE Select); coding-DNA positions 8652 to 8653, 2 bases deleted (CT; older notation c.8652_8653delCT).
Protein change: p.Tyr2885fs; shifts the reading frame from tyrosine 2885.
Molecular consequence: frameshift variant.
Genome position (GRCh38, 1-based): chrX:31,478,998-31,478,999, AG deleted on the plus strand (CT on the coding strand, the reverse complement: DMD is on the minus strand); deleting any 2 consecutive bases within chrX:31,478,998-31,479,001 gives the same sequence; the c. name uses the placement nearest the transcript's 3' end. VCF-style (leftmost placement, unchanged base first): chrX-31478997-TAG-T. GRCh37 (hg19) VCF-style: chrX-31497114-TAG-T.
Other names: c.8652_8653delCT (NM_004006.2); c.8628_8629del, p.Tyr2877fs (NM_000109.4); c.8640_8641del, p.Tyr2881fs (NM_004009.3); c.8283_8284del, p.Tyr2762fs (NM_004010.3); c.4629_4630del, p.Tyr1544fs (NM_004011.4); c.4620_4621del, p.Tyr1541fs (NM_004012.4); c.1272_1273del, p.Tyr425fs (NM_004013.3, NM_004020.4, NM_004021.3 and 2 more transcripts); c.465_466del, p.Tyr156fs (NM_004014.3); short protein forms Y1541fs, Y2877fs, Y2885fs, Y425fs, Y1544fs, Y2762fs, Y2881fs, Y156fs.
Identifiers: ClinVar variation 94811 (VCV000094811.14), dbSNP rs398124075, ClinGen allele CA267172.
Genomic context (GRCh38, chrX:31,478,997, plus strand): 5'-ACTGATCCTTCTATCAATATGTTATTATAGTTCCACATTCAATTACCTCTGGGCTCCTGG[TAG>T]AGTTTCTCTAGTCCTTCCAAAGGCTGCTCTGTCAGAAATATTCGTACAGTCTCAAGAGTA-3'

ClinVar aggregate classification (germline): Pathogenic. Review status: criteria provided, multiple submitters, no conflicts (2 of 4 stars). 2 submissions from 2 submitters: Pathogenic (2). Last evaluated 2020-07-08.

Conditions:
Duchenne muscular dystrophy (DMD). Also called: Duchenne Muscular Dystrophy (DMD); MUSCULAR DYSTROPHY, PSEUDOHYPERTROPHIC PROGRESSIVE, DUCHENNE TYPE. Identifiers: Orphanet 98896, MedGen C0013264, MONDO:0010679, OMIM 310200.

Submissions (2):

Labcorp Genetics (formerly Invitae), Labcorp
Classification: Pathogenic for Duchenne muscular dystrophy. Last evaluated: 2020-07-08. Review status: criteria provided, single submitter. Criteria: Invitae Variant Classification Sherloc (09022015). Collection method: clinical testing. Allele origin: germline.
Comment: For these reasons, this variant has been classified as Pathogenic. Loss-of-function variants in DMD are known to be pathogenic (PMID: 16770791, 25007885). This variant has been observed in individual(s) with Duchenne muscular dystrophy (PMID: 28859693). ClinVar contains an entry for this variant (Variation ID: 94811). This variant is not present in population databases (ExAC no frequency). This sequence change creates a premature translational stop signal (p.Tyr2885Profs*9) in the DMD gene. It is expected to result in an absent or disrupted protein product.

Eurofins Ntd Llc (ga)
Classification: Pathogenic. Last evaluated: 2018-08-13. Review status: criteria provided, single submitter. Criteria: EGL ClinVar v180209 classification definitions. Collection method: clinical testing. Allele origin: germline. Observed: 2 variant alleles, 2 heterozygotes, 2 hemizygotes.

Literature cited by the submitters: PubMed 16770791 (cited by Labcorp Genetics (formerly Invitae), Labcorp); PubMed 25007885 (cited by Labcorp Genetics (formerly Invitae), Labcorp); PubMed 28859693 (cited by Labcorp Genetics (formerly Invitae), Labcorp).